The following is an entry in ClinVar:

NM_021625.5(TRPV4):c.2459A>G (p.Asp820Gly)

Gene: TRPV4 (transient receptor potential cation channel subfamily V member 4; minus strand). Cytogenetic location: 12q24.11.
Variant type: single nucleotide variant.
Coding change: c.2459A>G on transcript NM_021625.5 (MANE Select); coding-DNA position 2459, A replaced by G.
Protein change: p.Asp820Gly; replaces aspartic acid 820 with glycine.
Molecular consequence: missense variant.
Genome position (GRCh38, 1-based): chr12:109,783,778, T>C on the plus strand (A>G on the coding strand, the complement: TRPV4 is on the minus strand). VCF-style: chr12-109783778-T-C. GRCh37 (hg19) VCF-style: chr12-110221583-T-C.
Other names: c.2318A>G, p.Asp773Gly (NM_001177428.2); c.2357A>G, p.Asp786Gly (NM_001177431.2); c.2138A>G, p.Asp713Gly (NM_001177433.2); c.2279A>G, p.Asp760Gly (NM_147204.3); short protein forms D820G, D760G, D773G, D713G, D786G.
Identifiers: ClinVar variation 958936 (VCV000958936.12), dbSNP rs754158623, ClinGen allele CA6779882.

ClinVar aggregate classification (germline): Uncertain significance. Review status: criteria provided, multiple submitters, no conflicts (2 of 4 stars). 3 submissions from 3 submitters: Uncertain significance (3). Last evaluated 2025-01-06.

Conditions:
Inborn genetic diseases. Identifiers: MedGen C0950123, MeSH D030342.
Charcot-Marie-Tooth disease axonal type 2C (HMSN2C). Also called: CHARCOT-MARIE-TOOTH DISEASE, AXONAL, AUTOSOMAL DOMINANT, TYPE 2C; Charcot-Marie-Tooth Neuropathy Type 2C; Charcot-Marie-Tooth Disease Type 2, TRPV4-Related (CMT2C). Identifiers: Orphanet 99937, MedGen C1853710, MONDO:0011633, OMIM 606071.

Allele frequency attached by ClinVar (database versions not stated): gnomAD exomes below 0.00001 and 0.00001; gnomAD 0.00001; ExAC 0.00002; TOPMed 0.00005.
gnomAD v4.1: 5 of 1,610,680 alleles (0.00031%); highest among the groups gnomAD compares: African/African-American, 0.0067%; no homozygotes.

Submissions (3):

Labcorp Genetics (formerly Invitae), Labcorp
Classification: Uncertain significance for Charcot-Marie-Tooth disease axonal type 2C. Last evaluated: 2025-01-06. Review status: criteria provided, single submitter. Criteria: Invitae Variant Classification Sherloc (09022015). Collection method: clinical testing. Allele origin: germline.
Comment: This sequence change replaces aspartic acid, which is acidic and polar, with glycine, which is neutral and non-polar, at codon 820 of the TRPV4 protein (p.Asp820Gly). This variant is present in population databases (rs754158623, gnomAD 0.01%). This variant has not been reported in the literature in individuals affected with TRPV4-related conditions. ClinVar contains an entry for this variant (Variation ID: 958936). An algorithm developed to predict the effect of missense changes on protein structure and function (PolyPhen-2) suggests that this variant is likely to be disruptive. In summary, the available evidence is currently insufficient to determine the role of this variant in disease. Therefore, it has been classified as a Variant of Uncertain Significance.

Ambry Genetics
Classification: Uncertain significance for Inborn genetic diseases. Last evaluated: 2024-06-07. Review status: criteria provided, single submitter. Criteria: Ambry Variant Classification Scheme 2023. Collection method: clinical testing. Allele origin: germline.

GeneDx
Classification: Uncertain significance. Last evaluated: 2024-04-12. Review status: criteria provided, single submitter. Criteria: GeneDx Variant Classification Process June 2021. Collection method: clinical testing. Allele origin: germline. Affected: yes.
Comment: In silico analysis indicates that this missense variant does not alter protein structure/function; Has not been previously published as pathogenic or benign to our knowledge